The following is an entry in ClinVar:

NM_012330.4(KAT6B):c.4676T>C (p.Phe1559Ser)

Gene: KAT6B (lysine acetyltransferase 6B; plus strand). Cytogenetic location: 10q22.2.
Variant type: single nucleotide variant.
Coding change: c.4676T>C on transcript NM_012330.4 (MANE Select); coding-DNA position 4676, T replaced by C.
Protein change: p.Phe1559Ser; replaces phenylalanine 1559 with serine.
Molecular consequence: missense variant.
Genome position (GRCh38, 1-based): chr10:75,029,500, T>C. VCF-style: chr10-75029500-T-C. GRCh37 (hg19) VCF-style: chr10-76789258-T-C.
Other names: c.4127T>C, p.Phe1376Ser (NM_001256468.2, NM_001370138.1); c.3800T>C, p.Phe1267Ser (NM_001256469.2, NM_001370139.1, NM_001370140.1 and 2 more transcripts); c.3638T>C, p.Phe1213Ser (NM_001370132.1); c.2987T>C, p.Phe996Ser (NM_001370133.1); c.2591T>C, p.Phe864Ser (NM_001370134.1); c.2333T>C, p.Phe778Ser (NM_001370135.1); c.4676T>C, p.Phe1559Ser (NM_001370136.1, NM_001370137.1); c.3611T>C, p.Phe1204Ser (NM_001370143.1, NM_001370144.1); short protein forms F1267S, F778S, F1204S, F1213S, F1376S, F1559S, F864S, F996S.
Identifiers: ClinVar variation 3690356 (VCV003690356.2).
Genomic context (GRCh38, chr10:75,029,500, plus strand): 5'-CTGAGACTGTCCAGGCCGTTCAGTCTTTGACCCAGGAGAGCAGCGAACAGGACGACACCT[T>C]TCAGGATTGTGCCGAGACTCAAGAGGCCTGTAGAAGCCTACAGAACTACACCCGTGCAGA-3'
Protein context (NP_036462.2, residues 1549-1569): TQESSEQDDT[Phe1559Ser]QDCAETQEAC

ClinVar aggregate classification (germline): Uncertain significance (1 of 4 stars; one submission).

Conditions:
Genitopatellar syndrome (GTPTS). Also called: ABSENT PATELLAE, SCROTAL HYPOPLASIA, RENAL ANOMALIES, FACIAL DYSMORPHISM, AND MENTAL RETARDATION; Genitopatellar syndrome (GPS). Identifiers: Orphanet 85201, MedGen C1853566, MONDO:0011640, OMIM 606170.

gnomAD v4.1: 1 of 1,614,078 alleles (0.000062%); highest among the groups gnomAD compares: Admixed American, 0.0017%; no homozygotes.

Submission:

Labcorp Genetics (formerly Invitae), Labcorp
Classification: Uncertain significance for Genitopatellar syndrome. Last evaluated: 2024-10-29. Review status: criteria provided, single submitter. Criteria: Invitae Variant Classification Sherloc (09022015). Collection method: clinical testing. Allele origin: germline.
Comment: This sequence change replaces phenylalanine, which is neutral and non-polar, with serine, which is neutral and polar, at codon 1559 of the KAT6B protein (p.Phe1559Ser). The frequency data for this variant in the population databases is considered unreliable, as metrics indicate poor data quality at this position in the gnomAD database. This variant has not been reported in the literature in individuals affected with KAT6B-related conditions. Invitae Evidence Modeling of protein sequence and biophysical properties (such as structural, functional, and spatial information, amino acid conservation, physicochemical variation, residue mobility, and thermodynamic stability) indicates that this missense variant is not expected to disrupt KAT6B protein function with a negative predictive value of 80%. In summary, the available evidence is currently insufficient to determine the role of this variant in disease. Therefore, it has been classified as a Variant of Uncertain Significance.